The following is an entry in ClinVar:

ClinVar aggregate classification (germline): Pathogenic (1 of 4 stars; one submission).

Conditions:
Hereditary cancer-predisposing syndrome. Also called: Neoplastic Syndromes, Hereditary; Tumor predisposition; Hereditary Cancer Syndrome; Hereditary neoplastic syndrome. Identifiers: Orphanet 140162, MedGen C0027672, MeSH D009386, MONDO:0015356.

Submission:

Ambry Genetics
Classification: Pathogenic for Hereditary cancer-predisposing syndrome. Last evaluated: 2021-10-25. Review status: criteria provided, single submitter. Criteria: Ambry Variant Classification Scheme 2023. Collection method: clinical testing. Allele origin: germline.
Comment: The c.1021dupA pathogenic mutation, located in coding exon 10 of the PMS2 gene, results from a duplication of A at nucleotide position 1021, causing a translational frameshift with a predicted alternate stop codon (p.R341Kfs*24). This alteration is expected to result in loss of function by premature protein truncation or nonsense-mediated mRNA decay. As such, this alteration is interpreted as a disease-causing mutation.

NM_000535.7(PMS2):c.1021dup (p.Arg341fs)

Gene: PMS2 (PMS1 homolog 2, mismatch repair system component; minus strand). Cytogenetic location: 7p22.1.
Variant type: Duplication.
Coding change: c.1021dup on transcript NM_000535.7 (MANE Select); coding-DNA position 1021, one base duplicated (A; older notation c.1021dupA).
Protein change: p.Arg341fs; shifts the reading frame from arginine 341.
Molecular consequence: frameshift variant. On other transcripts: non-coding transcript variant (1), intron variant (2).
Genome position (GRCh38, 1-based): chr7:5,989,923, T duplicated on the plus strand (A on the coding strand, the reverse complement: PMS2 is on the minus strand); the first of 4 consecutive T bases (chr7:5,989,923-5,989,926); duplicating any one gives the same sequence. VCF-style (leftmost placement, unchanged base first): chr7-5989922-C-CT. GRCh37 (hg19) VCF-style: chr7-6029553-C-CT.
Other names: c.613dup, p.Arg206Lysfs (NM_001018040.1, NM_001406887.1, NM_001406888.1 and 13 more transcripts); c.616dup, p.Arg206fs (NM_001322003.2, NM_001322004.2, NM_001322005.2 and 1 more transcripts); c.703dup, p.Arg235fs (NM_001322007.2, NM_001322008.2); c.88dup, p.Arg30fs (NM_001322011.2, NM_001322012.2); c.448dup, p.Arg150fs (NM_001322013.2); c.1021dup, p.Arg341fs (NM_001322014.2); c.712dup, p.Arg238fs (NM_001322015.2); c.1204dup, p.Arg403Lysfs (NM_001406866.1); and 15 more; short protein forms R206fs, R30fs, R150fs, R235fs, R238fs, R341fs.
Identifiers: ClinVar variation 1761265 (VCV001761265.2), dbSNP rs63750049, ClinGen allele CA2580076758.